The following is an entry in ClinVar:

ClinVar aggregate classification (germline): Uncertain significance (1 of 4 stars; one submission).

gnomAD v4.1: 1 of 1,613,876 alleles (0.000062%); highest among the groups gnomAD compares: African/African-American, 0.0013%; no homozygotes.

Submission:

Labcorp Genetics (formerly Invitae), Labcorp
Classification: Uncertain significance. Last evaluated: 2025-09-07. Review status: criteria provided, single submitter. Criteria: Invitae Variant Classification Sherloc (09022015). Collection method: clinical testing. Allele origin: germline.
Comment: This sequence change replaces asparagine, which is neutral and polar, with serine, which is neutral and polar, at codon 241 of the ERCC2 protein (p.Asn241Ser). This variant is not present in population databases (gnomAD no frequency). This variant has not been reported in the literature in individuals affected with ERCC2-related conditions. Invitae Evidence Modeling of protein sequence and biophysical properties (such as structural, functional, and spatial information, amino acid conservation, physicochemical variation, residue mobility, and thermodynamic stability) indicates that this missense variant is not expected to disrupt ERCC2 protein function with a negative predictive value of 80%. Algorithms developed to predict the effect of sequence changes on RNA splicing suggest that this variant may create or strengthen a splice site. In summary, the available evidence is currently insufficient to determine the role of this variant in disease. Therefore, it has been classified as a Variant of Uncertain Significance.

NM_000400.4(ERCC2):c.722A>G (p.Asn241Ser)

Gene: ERCC2 (ERCC excision repair 2, TFIIH core complex helicase subunit; minus strand). Cytogenetic location: 19q13.32.
Variant type: single nucleotide variant.
Coding change: c.722A>G on transcript NM_000400.4 (MANE Select); coding-DNA position 722, A replaced by G.
Protein change: p.Asn241Ser; replaces asparagine 241 with serine.
Molecular consequence: missense variant. On other transcripts: non-coding transcript variant (3).
Genome position (GRCh38, 1-based): chr19:45,364,328, T>C on the plus strand (A>G on the coding strand, the complement: ERCC2 is on the minus strand). VCF-style: chr19-45364328-T-C. GRCh37 (hg19) VCF-style: chr19-45867586-T-C.
Other names: c.650A>G, p.Asn217Ser (NM_001130867.2, NM_001440355.1); c.644A>G, p.Asn215Ser (NM_001440356.1); c.599A>G, p.Asn200Ser (NM_001440357.1); short protein forms N200S, N215S, N241S, N217S.
Identifiers: ClinVar variation 4751520 (VCV004751520.1).